The following is an entry in ClinVar:

ClinVar aggregate classification (germline): Uncertain significance (1 of 4 stars; one submission).

Submission:

CeGaT Center for Human Genetics Tuebingen
Classification: Uncertain significance. Last evaluated: 2026-09-01. Review status: criteria provided, single submitter. Criteria: CeGaT Center For Human Genetics Tuebingen Variant Classification Criteria Version 2. Collection method: clinical testing. Allele origin: germline. Affected: yes. Observed: 1 variant allele.
Comment: CTNNB1: PM2

NM_001904.4(CTNNB1):c.1358G>A (p.Arg453Gln)

Genes: CTNNB1 (catenin beta 1; plus strand), LOC126806659 (BRD4-independent group 4 enhancer GRCh37_chr3:41274918-41276117; plus strand). Cytogenetic location: 3p22.1.
Variant type: single nucleotide variant.
Coding change: c.1358G>A on transcript NM_001904.4 (MANE Select); coding-DNA position 1358, G replaced by A.
Protein change: p.Arg453Gln; replaces arginine 453 with glutamine.
Molecular consequence: missense variant.
Genome position (GRCh38, 1-based): chr3:41,233,701, G>A. VCF-style: chr3-41233701-G-A. GRCh37 (hg19) VCF-style: chr3-41275192-G-A.
Other names: c.1358G>A, p.Arg453Gln (NM_001098209.2, NM_001098210.2, NM_001438871.1 and 4 more transcripts); c.1337G>A, p.Arg446Gln (NM_001330729.2); short protein forms R446Q, R453Q.
Identifiers: ClinVar variation 5041749 (VCV005041749.1).
Genomic context (GRCh38, chr3:41,233,701, plus strand): 5'-AGAACAAGATGATGGTCTGCCAAGTGGGTGGTATAGAGGCTCTTGTGCGTACTGTCCTTC[G>A]GGCTGGTGACAGGGAAGACATCACTGAGCCTGCCATCTGTGCTCTTCGTCATCTGACCAG-3'
Protein context (NP_001895.1, residues 443-463): GIEALVRTVL[Arg453Gln]AGDREDITEP